The following is an entry in ClinVar:

NM_000435.3(NOTCH3):c.1363T>C (p.Cys455Arg)

Gene: NOTCH3 (notch receptor 3; minus strand). Cytogenetic location: 19p13.12.
Variant type: single nucleotide variant.
Coding change: c.1363T>C on transcript NM_000435.3 (MANE Select); coding-DNA position 1363, T replaced by C.
Protein change: p.Cys455Arg; replaces cysteine 455 with arginine.
Molecular consequence: missense variant.
Genome position (GRCh38, 1-based): chr19:15,189,004, A>G on the plus strand (T>C on the coding strand, the complement: NOTCH3 is on the minus strand). VCF-style: chr19-15189004-A-G. GRCh37 (hg19) VCF-style: chr19-15299815-A-G.
Other names: short protein forms C455R.
Identifiers: ClinVar variation 9223 (VCV000009223.3), dbSNP rs28933698, ClinGen allele CA340888.

ClinVar aggregate classification (germline): Pathogenic/Likely pathogenic. Review status: criteria provided, multiple submitters, no conflicts (2 of 4 stars). 3 submissions from 3 submitters: Pathogenic (1); Likely pathogenic (1). 1 of the submissions does not count toward it. Last evaluated 2021-12-07.

Conditions:
Cerebral arteriopathy, autosomal dominant, with subcortical infarcts and leukoencephalopathy, type 1 (CADASIL1). Also called: CASIL; Cerebral arteriopathy with subcortical infarcts and leukoencephalopathy 1; CADASIL 1; DEMENTIA, HEREDITARY MULTIINFARCT TYPE. Identifiers: Orphanet 136, MedGen C4551768, MONDO:0000914, OMIM 125310.

Submissions (3):

Institute for Clinical Genetics, University Hospital TU Dresden, University Hospital TU Dresden
Classification: Likely pathogenic. Last evaluated: 2021-12-07. Review status: criteria provided, single submitter. Criteria: ACMG Guidelines, 2015. Collection method: clinical testing. Allele origin: germline.
Comment: PM1, PP3, PP4, PM5, PM2_SUP

Athena Diagnostics
Classification: Pathogenic. Last evaluated: 2017-05-25. Review status: criteria provided, single submitter. Criteria: Athena Diagnostics Criteria. Collection method: clinical testing. Allele origin: germline.

OMIM
Classification: Pathogenic for CEREBRAL ARTERIOPATHY, AUTOSOMAL DOMINANT, WITH SUBCORTICAL INFARCTS AND LEUKOENCEPHALOPATHY, TYPE 1. Last evaluated: 2002-07-23. Review status: no assertion criteria provided. Collection method: literature only. Allele origin: germline. Not counted in ClinVar's aggregate classification.

Literature cited by the submitters: PubMed 15350543 (cited by Athena Diagnostics); PubMed 19417009 (cited by Athena Diagnostics); PubMed 21555590 (cited by Athena Diagnostics); PubMed 27174004 (cited by Athena Diagnostics); PubMed 12136071 (cited by Athena Diagnostics and OMIM).